The following is an entry in ClinVar:

ClinVar aggregate classification (germline): Likely pathogenic (1 of 4 stars; one submission).

Conditions:
Hereditary factor IX deficiency disease (HEMB). Also called: F9 DEFICIENCY; FACTOR IX DEFICIENCY; PLASMA THROMBOPLASTIN COMPONENT DEFICIENCY; Hemophilia B; Christmas Disease. Identifiers: Orphanet 98879, MedGen C0008533, MeSH D002836, MONDO:0010604, OMIM 306900.

Submission:

Women's Health and Genetics/Laboratory Corporation of America, LabCorp
Classification: Likely pathogenic for Hereditary factor IX deficiency disease. Last evaluated: 2025-09-10. Review status: criteria provided, single submitter. Criteria: LabCorp Variant Classification Summary - May 2015. Collection method: clinical testing. Allele origin: germline.
Comment: Variant summary: F9 c.1204G>A (p.Gly402Arg) results in a non-conservative amino acid change in the encoded protein sequence. Algorithms developed to predict the effect of missense changes on protein structure and function all suggest that this variant is likely to be disruptive. The variant was absent in 183336 control chromosomes. c.1204G>A has been observed in individual(s) affected with Factor IX Deficiency (Hemophilia B) (e.g. Saad_1994, Costa_2000, Radic_2013, Hallden_2013, Shi_2024). These data indicate that the variant is likely to be associated with disease. To our knowledge, no experimental evidence demonstrating an impact on protein function has been reported. The following publications have been ascertained in the context of this evaluation (PMID: 10739381, 24219067, 23093250, 8091381, 39260745). No submitters have cited clinical-significance assessments for this variant to ClinVar. Based on the evidence outlined above, the variant was classified as likely pathogenic.

Literature cited by the submitters: PubMed 8091381; PubMed 24219067; PubMed 10739381; PubMed 23093250; PubMed 39260745.

NM_000133.4(F9):c.1204G>A (p.Gly402Arg)

Gene: F9 (coagulation factor IX; plus strand). Cytogenetic location: Xq27.1.
Variant type: single nucleotide variant.
Coding change: c.1204G>A on transcript NM_000133.4 (MANE Select); coding-DNA position 1204, G replaced by A.
Protein change: p.Gly402Arg; replaces glycine 402 with arginine.
Molecular consequence: missense variant.
Genome position (GRCh38, 1-based): chrX:139,561,889, G>A. VCF-style: chrX-139561889-G-A. GRCh37 (hg19) VCF-style: chrX-138644048-G-A.
Other names: c.1090G>A, p.Gly364Arg (NM_001313913.2); short protein forms G364R, G402R.
Identifiers: ClinVar variation 4535627 (VCV004535627.1).